The following is an entry in ClinVar:

NM_007294.4(BRCA1):c.2360A>G (p.Glu787Gly)

Gene: BRCA1 (BRCA1 DNA repair associated; minus strand). Cytogenetic location: 17q21.31.
Variant type: single nucleotide variant.
Coding change: c.2360A>G on transcript NM_007294.4 (MANE Select); coding-DNA position 2360, A replaced by G.
Protein change: p.Glu787Gly; replaces glutamic acid 787 with glycine.
Molecular consequence: missense variant. On other transcripts: intron variant (137).
Genome position (GRCh38, 1-based): chr17:43,093,171, T>C on the plus strand (A>G on the coding strand, the complement: BRCA1 is on the minus strand). VCF-style: chr17-43093171-T-C. GRCh37 (hg19) VCF-style: chr17-41245188-T-C.
Other names: c.2156A>G, p.Glu719Gly (NM_001407875.1, NM_001407874.1); c.2150A>G, p.Glu717Gly (NM_001407879.1, NM_001407881.1, NM_001407889.1 and 13 more transcripts); c.2147A>G, p.Glu716Gly (NM_001407894.1, NM_001407895.1, NM_001407571.1 and 9 more transcripts); c.406+1573A>G (NM_001408510.1); c.643+1573A>G (NM_001408470.1, NM_001408464.1, NM_001408468.1 and 3 more transcripts); c.646+1573A>G (NM_001408469.1, NM_001408453.1, NM_001408461.1 and 11 more transcripts); c.784+1573A>G (NM_001408397.1, NM_001408401.1, NM_001408396.1 and 13 more transcripts); c.664+1573A>G (NM_001408436.1, NM_001408444.1, NM_001408438.1 and 12 more transcripts); and 41 more; short protein forms E491G, E619G, E659G, E660G, E675G, E676G, E698G, E699G.
Identifiers: ClinVar variation 2581435 (VCV002581435.2), dbSNP rs2552189665, ClinGen allele CA10597289.

ClinVar aggregate classification (germline): Uncertain significance. Review status: criteria provided, multiple submitters, no conflicts (2 of 4 stars). 2 submissions from 2 submitters: Uncertain significance (2). Last evaluated 2025-12-15.

Conditions:
Hereditary breast ovarian cancer syndrome. Also called: Hereditary breast and/or ovarian cancer syndrome; Hereditary breast and ovarian cancer; Breast and ovarian cancer; Hereditary breast and ovarian cancer syndrome; Hereditary breast and ovarian cancer syndrome (HBOC); BRCA1- and BRCA2-Associated Hereditary Breast and Ovarian Cancer. Identifiers: Orphanet 145, MedGen C0677776, MeSH D061325, MONDO:0003582. Disease mechanism: loss of function.

Submissions (2):

Labcorp Genetics (formerly Invitae), Labcorp
Classification: Uncertain significance for Hereditary breast ovarian cancer syndrome. Last evaluated: 2025-12-15. Review status: criteria provided, single submitter. Criteria: Invitae Variant Classification Sherloc (09022015). Collection method: clinical testing. Allele origin: germline.
Comment: This sequence change replaces glutamic acid, which is acidic and polar, with glycine, which is neutral and non-polar, at codon 787 of the BRCA1 protein (p.Glu787Gly). This variant is not present in population databases (gnomAD no frequency). This variant has not been reported in the literature in individuals affected with BRCA1-related conditions. ClinVar contains an entry for this variant (Variation ID: 2581435). Invitae Evidence Modeling of protein sequence and biophysical properties (such as structural, functional, and spatial information, amino acid conservation, physicochemical variation, residue mobility, and thermodynamic stability) indicates that this missense variant is not expected to disrupt BRCA1 protein function with a negative predictive value of 80%. In summary, the available evidence is currently insufficient to determine the role of this variant in disease. Therefore, it has been classified as a Variant of Uncertain Significance.

Women's Health and Genetics/Laboratory Corporation of America, LabCorp
Classification: Uncertain significance. Last evaluated: 2023-08-29. Review status: criteria provided, single submitter. Criteria: LabCorp Variant Classification Summary - May 2015. Collection method: clinical testing. Allele origin: germline.
Comment: Variant summary: BRCA1 c.2360A>G (p.Glu787Gly) results in a non-conservative amino acid change in the encoded protein sequence. Three of five in-silico tools predict a benign effect of the variant on protein function. The variant was absent in 250622 control chromosomes. The available data on variant occurrences in the general population are insufficient to allow any conclusion about variant significance. To our knowledge, no occurrence of c.2360A>G in individuals affected with Hereditary Breast And Ovarian Cancer Syndrome and no experimental evidence demonstrating its impact on protein function have been reported. No submitters have cited clinical-significance assessments for this variant to ClinVar after 2014. Based on the evidence outlined above, the variant was classified as uncertain significance.